The following is an entry in ClinVar:

ClinVar aggregate classification (germline): Likely pathogenic (1 of 4 stars; one submission).

Submission:

GeneDx
Classification: Likely pathogenic. Last evaluated: 2017-05-22. Review status: criteria provided, single submitter. Criteria: GeneDx Variant Classification (06012015). Collection method: clinical testing. Allele origin: germline. Affected: yes.
Comment: The I1334T variant has not been published as a pathogenic variant, nor has it been reported as a benign polymorphism to our knowledge. This variant was not observed in approximately 6500 individuals of European and African American ancestry in the NHLBI Exome Sequencing Project, indicating it is not a common benign variant in these populations. This variant is a non-conservative amino acid substitution, which is likely to impact secondary protein structure as these residues differ in polarity, charge, size and/or other properties. The I1334T substitution occurs at a conserved position in the intracellular loop between the S4 and S5 transmembrane segments of the third homologous domain. In silico analysis predicts this variant is probably damaging to the protein structure/function. Missense variants in nearby residues (L1330F, S1336T, M1338T) have been reported in the Human Gene Mutation Database in association with epilepsy (Stenson et al., 2014), supporting the functional importance of this region of the protein. Therefore, this variant is a strong candidate for a pathogenic mutation, however the possibility that it is a benign variant cannot be excluded.

NM_001040142.2(SCN2A):c.4001T>C (p.Ile1334Thr)

Gene: SCN2A (sodium voltage-gated channel alpha subunit 2; plus strand). Cytogenetic location: 2q24.3.
Variant type: single nucleotide variant.
Coding change: c.4001T>C on transcript NM_001040142.2 (MANE Select); coding-DNA position 4001, T replaced by C.
Protein change: p.Ile1334Thr; replaces isoleucine 1334 with threonine.
Molecular consequence: missense variant.
Genome position (GRCh38, 1-based): chr2:165,374,713, T>C. VCF-style: chr2-165374713-T-C. GRCh37 (hg19) VCF-style: chr2-166231223-T-C.
Other names: c.4001T>C, p.Ile1334Thr (NM_001040143.2, NM_001371246.1, NM_001371247.1 and 1 more transcripts); short protein forms I1334T.
Identifiers: ClinVar variation 265305 (VCV000265305.2), dbSNP rs886039461, ClinGen allele CA10588315.